The following is an entry in ClinVar:

NM_001042492.3(NF1):c.185T>A (p.Leu62Ter)

Gene: NF1 (neurofibromin 1; plus strand). Cytogenetic location: 17q11.2.
Variant type: single nucleotide variant.
Coding change: c.185T>A on transcript NM_001042492.3 (MANE Select); coding-DNA position 185, T replaced by A.
Protein change: p.Leu62Ter; replaces leucine 62 with a stop codon.
Molecular consequence: nonsense.
Genome position (GRCh38, 1-based): chr17:31,156,107, T>A. VCF-style: chr17-31156107-T-A. GRCh37 (hg19) VCF-style: chr17-29483125-T-A.
Other names: c.185T>A, p.Leu62Ter (NM_000267.4, NM_001128147.3); short protein forms L62*.
Identifiers: ClinVar variation 1809589 (VCV001809589.1), dbSNP rs2544681730, ClinGen allele CA398988695.

ClinVar aggregate classification (germline): Likely pathogenic (1 of 4 stars; one submission).

Submission:

Quest Diagnostics Nichols Institute San Juan Capistrano
Classification: Likely pathogenic. Last evaluated: 2021-06-11. Review status: criteria provided, single submitter. Criteria: Quest Diagnostics criteria. Collection method: clinical testing. Allele origin: unknown.
Comment: This nonsense variant is predicted to cause the premature termination of NF1 protein synthesis. To the best of our knowledge, the variant has not been reported in the published literature. It also has not been reported in large, multi-ethnic general populations. Based on the available information, the variant is predicted to be likely pathogenic.